The following is an entry in ClinVar:

NM_000069.3(CACNA1S):c.120G>A (p.Leu40=)

Gene: CACNA1S (calcium voltage-gated channel subunit alpha1 S; minus strand). Cytogenetic location: 1q32.1.
Variant type: single nucleotide variant.
Coding change: c.120G>A on transcript NM_000069.3 (MANE Select); coding-DNA position 120, G replaced by A.
Protein change: p.Leu40=; no amino-acid change (leucine 40 retained).
Molecular consequence: synonymous variant.
Genome position (GRCh38, 1-based): chr1:201,112,220, C>T on the plus strand (G>A on the coding strand, the complement: CACNA1S is on the minus strand). VCF-style: chr1-201112220-C-T. GRCh37 (hg19) VCF-style: chr1-201081348-C-T.
Identifiers: ClinVar variation 1141199 (VCV001141199.11), dbSNP rs1420406971, ClinGen allele CA422697934.

ClinVar aggregate classification (germline): Likely benign. Review status: criteria provided, multiple submitters, no conflicts (2 of 4 stars). 3 submissions from 3 submitters: Likely benign (3). Last evaluated 2025-08-18.

Conditions:
Hypokalemic periodic paralysis, type 1. Also called: HypoPP; Hypokalemic Periodic Paralysis Type 1 (AD). Identifiers: Orphanet 681, MedGen C3714580, MONDO:0042979, OMIM 170400.
Malignant hyperthermia, susceptibility to, 5 (MHS5). Also called: CACNA1S-Related Malignant Hyperthermia Susceptibility. Identifiers: Orphanet 423, MedGen C1866077, MONDO:0011163, OMIM 601887.

Allele frequency attached by ClinVar (database versions not stated): gnomAD exomes below 0.00001 and 0.00002; gnomAD 0.00002; TOPMed 0.00002.
gnomAD v4.1: 32 of 1,613,828 alleles (0.002%); highest among the groups gnomAD compares: Non-Finnish European, 0.0026%; no homozygotes.

Submissions (3):

Labcorp Genetics (formerly Invitae), Labcorp
Classification: Likely benign for Hypokalemic periodic paralysis, type 1; Malignant hyperthermia, susceptibility to, 5. Last evaluated: 2025-08-18. Review status: criteria provided, single submitter. Criteria: Invitae Variant Classification Sherloc (09022015). Collection method: clinical testing. Allele origin: germline.

All of Us Research Program, National Institutes of Health
Classification: Likely benign for Malignant hyperthermia, susceptibility to, 5. Last evaluated: 2023-12-18. Review status: criteria provided, single submitter. Criteria: ACMG Guidelines, 2015. Collection method: clinical testing. Allele origin: germline. Inheritance: Autosomal dominant inheritance. Observed: 4 variant alleles, 4 heterozygotes.
Comment: This study involves interpretation of variants in research participants for the purpose of population health screening. Participant phenotype was not available at the time of variant classification. Additional details can be found in publication PMID: 35346344, PMCID: PMC8962531

Color Diagnostics, LLC DBA Color Health
Classification: Likely benign for Malignant hyperthermia, susceptibility to, 5. Last evaluated: 2022-11-06. Review status: criteria provided, single submitter. Criteria: ACMG Guidelines, 2015. Collection method: clinical testing. Allele origin: germline.